The following is an entry in ClinVar:

NM_205836.3(FBXO38):c.931C>A (p.Leu311Ile)

Gene: FBXO38 (F-box protein 38; plus strand). Cytogenetic location: 5q32.
Variant type: single nucleotide variant.
Coding change: c.931C>A on transcript NM_205836.3 (MANE Select); coding-DNA position 931, C replaced by A.
Protein change: p.Leu311Ile; replaces leucine 311 with isoleucine.
Molecular consequence: missense variant.
Genome position (GRCh38, 1-based): chr5:148,409,186, C>A. VCF-style: chr5-148409186-C-A. GRCh37 (hg19) VCF-style: chr5-147788749-C-A.
Other names: p.Leu311Ile; c.931C>A, p.Leu311Ile (NM_001271723.2, NM_030793.5); short protein forms L311I.
Identifiers: ClinVar variation 541003 (VCV000541003.43), dbSNP rs142117467, ClinGen allele CA3497149.

ClinVar aggregate classification (germline): Likely benign. Review status: criteria provided, multiple submitters, no conflicts (2 of 4 stars). 8 submissions from 8 submitters: Likely benign (6). 2 of the submissions do not count toward it. Last evaluated 2026-03-04.

Conditions:
Distal hereditary motor neuropathy type 2. Identifiers: Orphanet 139525, MedGen C3711384, MeSH C580044, MONDO:0015352.
Neuronopathy, distal hereditary motor, type 2D. Also called: HMN IID; SPINAL MUSCULAR ATROPHY, DISTAL, AUTOSOMAL DOMINANT, CALF-PREDOMINANT; NEURONOPATHY, DISTAL HEREDITARY MOTOR, HARDING TYPE IID; NEUROPATHY, DISTAL HEREDITARY MOTOR, HARDING TYPE IID; NEURONOPATHY, DISTAL HEREDITARY MOTOR, AUTOSOMAL DOMINANT 6. Identifiers: Orphanet 139525, MedGen C3888271, MONDO:0014259, OMIM 615575.
FBXO38-related disorder. Also called: FBXO38-related condition.
Charcot-Marie-Tooth disease. Also called: Charcot-Marie-Tooth Neuropathy; Charcot-Marie-Tooth Hereditary Neuropathy. Identifiers: Orphanet 166, MedGen C0007959, MONDO:0015626.

Allele frequency attached by ClinVar (database versions not stated): ExAC 0.00040; gnomAD 0.00044; TOPMed 0.00049; ESP Exome Variant Server 0.00092; 1000 Genomes Project 30x 0.00016; 1000 Genomes Project 0.00020.
gnomAD v4.1: 1,428 of 1,611,686 alleles (0.089%); highest among the groups gnomAD compares: Non-Finnish European, 0.11%; 2 homozygotes.

Submissions (8):

Women's Health and Genetics/Laboratory Corporation of America, LabCorp
Classification: Likely benign. Last evaluated: 2026-03-04. Review status: criteria provided, single submitter. Criteria: LabCorp Variant Classification Summary - May 2015. Collection method: clinical testing. Allele origin: germline.
Comment: Variant summary: FBXO38 c.931C>A (p.Leu311Ile) results in a conservative amino acid change in the encoded protein sequence. Algorithms developed to predict the effect of missense changes on protein structure and function are either unavailable or do not agree on the potential impact of this missense change. The variant allele was found at a frequency of 0.00038 in 251368 control chromosomes. The observed variant frequency exceeds the estimated maximal expected allele frequency for disease-causing variants in FBXO38. To our knowledge, no occurrence of c.931C>A in individuals affected with FBXO38-related conditions and no experimental evidence demonstrating its impact on protein function have been reported. ClinVar contains an entry for this variant (Variation ID: 541003). Based on the evidence outlined above, the variant was classified as likely benign.

Labcorp Genetics (formerly Invitae), Labcorp
Classification: Likely benign for Distal hereditary motor neuropathy type 2. Last evaluated: 2026-01-13. Review status: criteria provided, single submitter. Criteria: Invitae Variant Classification Sherloc (09022015). Collection method: clinical testing. Allele origin: germline.

Mayo Clinic Laboratories, Mayo Clinic
Classification: Likely benign. Last evaluated: 2025-03-10. Review status: criteria provided, single submitter. Criteria: ACMG Guidelines, 2015. Collection method: clinical testing. Allele origin: germline. Observed: 3 variant alleles.
Comment: BS2, BP4

CeGaT Center for Human Genetics Tuebingen
Classification: Likely benign. Last evaluated: 2023-03-01. Review status: criteria provided, single submitter. Criteria: CeGaT Center For Human Genetics Tuebingen Variant Classification Criteria Version 2. Collection method: clinical testing. Allele origin: germline. Affected: yes. Observed: 1 variant allele.
Comment: FBXO38: BS2

Fulgent Genetics
Classification: Likely benign for Neuronopathy, distal hereditary motor, type 2D. Last evaluated: 2022-01-12. Review status: criteria provided, single submitter. Criteria: ACMG Guidelines, 2015. Collection method: clinical testing. Allele origin: unknown.

Ambry Genetics
Classification: Likely benign. Last evaluated: 2019-10-30. Review status: criteria provided, single submitter. Criteria: Ambry Variant Classification Scheme 2023. Collection method: clinical testing. Allele origin: germline.

PreventionGenetics, part of Exact Sciences
Classification: Likely benign for FBXO38-related condition. Last evaluated: 2022-02-23. Review status: no assertion criteria provided. Collection method: clinical testing. Allele origin: germline. Not counted in ClinVar's aggregate classification.
Comment: This variant is classified as likely benign based on ACMG/AMP sequence variant interpretation guidelines (Richards et al. 2015 PMID: 25741868, with internal and published modifications).

Inherited Neuropathy Consortium
Classification: Likely pathogenic for Charcot-Marie-Tooth disease. Review status: no assertion criteria provided. Collection method: provider interpretation. Allele origin: inherited. Affected: yes. Not counted in ClinVar's aggregate classification.